The following is an entry in ClinVar:

ClinVar aggregate classification (germline): Uncertain significance (1 of 4 stars; one submission).

Conditions:
POLD1-related polyposis and colorectal cancer syndrome (CRCS10). Also called: Colorectal cancer 10; Colorectal cancer, susceptibility to, 10; COLORECTAL CANCER, SUSCEPTIBILITY TO, ON CHROMOSOME 19q. Identifiers: Orphanet 220460, MedGen C2675481, MONDO:0012953, OMIM 612591.

Submission:

Labcorp Genetics (formerly Invitae), Labcorp
Classification: Uncertain significance for POLD1-related polyposis and colorectal cancer syndrome. Last evaluated: 2023-07-07. Review status: criteria provided, single submitter. Criteria: Invitae Variant Classification Sherloc (09022015). Collection method: clinical testing. Allele origin: germline.
Comment: This sequence change creates a premature translational stop signal (p.Gln503*) in the POLD1 gene. Missense variants that disrupt the 3'-5' exonuclease (proof-reading) activity of the POLD1 protein are associated with PPAP (polymerase proofreading–associated polyposis) (PMID: 23263490, 23447401). However, loss-of-function variants that result in an absent or severely disrupted POLD1 protein, and missense variants outside the exonuclease domain, are unlikely to be associated with PPAP. This variant is not present in population databases (gnomAD no frequency). This variant has not been reported in the literature in individuals affected with POLD1-related conditions. Experimental studies and prediction algorithms are not available or were not evaluated, and the functional significance of this variant is currently unknown. In summary, the available evidence is currently insufficient to determine the role of this variant in disease. Therefore, it has been classified as a Variant of Uncertain Significance.

Literature cited by the submitters: PubMed 23263490; PubMed 23447401.

NM_002691.4(POLD1):c.1507C>T (p.Gln503Ter)

Gene: POLD1 (DNA polymerase delta 1, catalytic subunit; plus strand). Cytogenetic location: 19q13.33.
Variant type: single nucleotide variant.
Coding change: c.1507C>T on transcript NM_002691.4 (MANE Select); coding-DNA position 1507, C replaced by T.
Protein change: p.Gln503Ter; replaces glutamine 503 with a stop codon.
Molecular consequence: nonsense. On other transcripts: non-coding transcript variant (1).
Genome position (GRCh38, 1-based): chr19:50,406,995, C>T. VCF-style: chr19-50406995-C-T. GRCh37 (hg19) VCF-style: chr19-50910252-C-T.
Other names: c.1507C>T, p.Gln503Ter (NM_001308632.1, NM_001256849.1); short protein forms Q503*.
Identifiers: ClinVar variation 2737272 (VCV002737272.3), dbSNP rs1555791331, ClinGen allele CA406980769.